The following is an entry in ClinVar:

ClinVar aggregate classification (germline): Likely benign (1 of 4 stars; one submission).

Conditions:
PROX1-related disorder. Also called: PROX1-related condition.

gnomAD v4.1: 18 of 1,614,068 alleles (0.0011%); highest among the groups gnomAD compares: Admixed American, 0.03%; 1 homozygote.

Submission:

PreventionGenetics, part of Exact Sciences
Classification: Likely benign for PROX1-related condition. Last evaluated: 2026-03-13. Review status: criteria provided, single submitter. Criteria: ACMG Guidelines, 2015. Collection method: clinical testing. Allele origin: germline.
Comment: This variant is classified as likely benign based on ACMG/AMP sequence variant interpretation guidelines (Richards et al. 2015 PMID: 25741868, with internal and published modifications).

NM_001270616.2(PROX1):c.108G>A (p.Lys36=)

Gene: PROX1 (prospero homeobox 1; plus strand). Cytogenetic location: 1q32.3.
Variant type: single nucleotide variant.
Coding change: c.108G>A on transcript NM_001270616.2 (MANE Select); coding-DNA position 108, G replaced by A.
Protein change: p.Lys36=; no amino-acid change (lysine 36 retained).
Molecular consequence: synonymous variant.
Genome position (GRCh38, 1-based): chr1:213,996,643, G>A. VCF-style: chr1-213996643-G-A. GRCh37 (hg19) VCF-style: chr1-214169986-G-A.
Other names: c.108G>A, p.Lys36= (NM_002763.5).
Identifiers: ClinVar variation 4981966 (VCV004981966.1).